The following is an entry in ClinVar:

ClinVar aggregate classification (germline): Likely benign (0 of 4 stars; one submission).

Conditions:
HOXD13-related disorder. Also called: HOXD13-related disorders; HOXD13-related condition.

Submission:

PreventionGenetics, part of Exact Sciences
Classification: Likely benign for HOXD13-related condition. Last evaluated: 2020-04-13. Review status: no assertion criteria provided. Collection method: clinical testing. Allele origin: germline.
Comment: This variant is classified as likely benign based on ACMG/AMP sequence variant interpretation guidelines (Richards et al. 2015 PMID: 25741868, with internal and published modifications).

NM_000523.4(HOXD13):c.168GGC[4] (p.Ala71del)

Gene: HOXD13 (homeobox D13; plus strand). Cytogenetic location: 2q31.1.
Variant type: Microsatellite.
Coding change: c.168GGC[4] on transcript NM_000523.4 (MANE Select); four copies in a row of the 3-base unit GGC starting at c.168; the reference has five copies in a row; one copy, 3 bases deleted.
Protein change: p.Ala71del; deletes alanine 71.
Genome position (GRCh38, 1-based): chr2:176,093,070-176,093,072, GGC deleted; deleting any 3 consecutive bases within chr2:176,093,058-176,093,072 gives the same sequence; the position shown is the placement nearest the transcript's 3' end. VCF-style (leftmost placement, unchanged base first): chr2-176093057-GGGC-G. GRCh37 (hg19) VCF-style: chr2-176957785-GGGC-G.
Other names: short protein forms A71del.
Identifiers: ClinVar variation 3056619 (VCV003056619.2), dbSNP rs3832095, ClinGen allele CA1976511.